The following is an entry in ClinVar:

NM_001385125.1(OPN1SW):c.149C>T (p.Ala50Val)

Gene: OPN1SW (opsin 1, short wave sensitive; minus strand). Cytogenetic location: 7q32.1.
Variant type: single nucleotide variant.
Coding change: c.149C>T on transcript NM_001385125.1 (MANE Select); coding-DNA position 149, C replaced by T.
Protein change: p.Ala50Val; replaces alanine 50 with valine.
Molecular consequence: missense variant.
Genome position (GRCh38, 1-based): chr7:128,775,633, G>A on the plus strand (C>T on the coding strand, the complement: OPN1SW is on the minus strand). VCF-style: chr7-128775633-G-A. GRCh37 (hg19) VCF-style: chr7-128415687-G-A.
Other names: short protein forms A50V.
Identifiers: ClinVar variation 1038704 (VCV001038704.8), dbSNP rs767712436, ClinGen allele CA4473044.

ClinVar aggregate classification (germline): Uncertain significance (1 of 4 stars; one submission).

Allele frequency attached by ClinVar (database versions not stated): gnomAD exomes below 0.00001 and 0.00001; ExAC 0.00001; gnomAD 0.00001; TOPMed 0.00001.

Submission:

Labcorp Genetics (formerly Invitae), Labcorp
Classification: Uncertain significance. Last evaluated: 2024-03-12. Review status: criteria provided, single submitter. Criteria: Invitae Variant Classification Sherloc (09022015). Collection method: clinical testing. Allele origin: germline.
Comment: This sequence change replaces alanine, which is neutral and non-polar, with valine, which is neutral and non-polar, at codon 53 of the OPN1SW protein (p.Ala53Val). This variant is present in population databases (rs767712436, gnomAD 0.009%). This variant has not been reported in the literature in individuals affected with OPN1SW-related conditions. ClinVar contains an entry for this variant (Variation ID: 1038704). An algorithm developed to predict the effect of missense changes on protein structure and function (PolyPhen-2) suggests that this variant is likely to be tolerated. In summary, the available evidence is currently insufficient to determine the role of this variant in disease. Therefore, it has been classified as a Variant of Uncertain Significance.